The following is an entry in ClinVar:

ClinVar aggregate classification (germline): Uncertain significance (1 of 4 stars; one submission).

Submission:

GeneDx
Classification: Uncertain significance. Last evaluated: 2025-06-11. Review status: criteria provided, single submitter. Criteria: GeneDx Variant Classification Process June 2021. Collection method: clinical testing. Allele origin: germline. Affected: yes.
Comment: Not observed at significant frequency in large population cohorts (gnomAD); Missense variants in this gene are a common cause of disease and they are underrepresented in the general population; In silico analysis suggests that this missense variant does not alter protein structure/function; Has not been previously published as pathogenic or benign to our knowledge; This variant is associated with the following publications: (PMID: 20829227)

NM_006086.4(TUBB3):c.98G>A (p.Ser33Asn)

Gene: TUBB3 (tubulin beta 3 class III; plus strand). Cytogenetic location: 16q24.3.
Variant type: single nucleotide variant.
Coding change: c.98G>A on transcript NM_006086.4 (MANE Select); coding-DNA position 98, G replaced by A.
Protein change: p.Ser33Asn; replaces serine 33 with asparagine.
Molecular consequence: missense variant. On other transcripts: 5 prime UTR variant (1).
Genome position (GRCh38, 1-based): chr16:89,932,611, G>A. VCF-style: chr16-89932611-G-A. GRCh37 (hg19) VCF-style: chr16-89999019-G-A.
Other names: c.-119G>A (NM_001197181.2); short protein forms S33N.
Identifiers: ClinVar variation 4538152 (VCV004538152.1).